The following is an entry in ClinVar:

NM_006445.4(PRPF8):c.6334AAG[1] (p.Lys2113del)

Genes: PRPF8 (pre-mRNA processing factor 8; minus strand), RILP (Rab interacting lysosomal protein; minus strand). Cytogenetic location: 17p13.3.
Variant type: Microsatellite.
Coding change: c.6334AAG[1] on transcript NM_006445.4 (MANE Select); one copy of the 3-base unit AAG starting at c.6334; the reference has two copies in a row; one copy, 3 bases deleted.
Protein change: p.Lys2113del; deletes lysine 2113.
Molecular consequence: inframe deletion.
Genome position (GRCh38, 1-based): chr17:1,653,572-1,653,574, CTT deleted on the plus strand (AAG on the coding strand, the reverse complement: PRPF8 is on the minus strand); deleting any 3 consecutive bases within chr17:1,653,572-1,653,577 gives the same sequence; the position shown is the placement nearest the transcript's 3' end. VCF-style (leftmost placement, unchanged base first): chr17-1653571-ACTT-A. GRCh37 (hg19) VCF-style: chr17-1556865-ACTT-A.
Other names: c.6337_6339delAAG (NM_006445.3); short protein forms K2113del.
Identifiers: ClinVar variation 866049 (VCV000866049.10), dbSNP rs1911196248, ClinGen allele CA916083516.

ClinVar aggregate classification (germline): Conflicting classifications of pathogenicity. Review status: criteria provided, conflicting classifications (1 of 4 stars). 4 submissions from 4 submitters: Pathogenic (1); Likely pathogenic (2); Uncertain significance (1). Last evaluated 2024-08-05.

Conditions:
PRPF8-related disorder. Also called: PRPF8-related condition.
Retinitis pigmentosa (RP). Identifiers: Orphanet 791, MedGen C0035334, MeSH D012174, MONDO:0019200, OMIM 268000. Inheritance: Autosomal dominant, autosomal recessive and X linked inheritance.

Submissions (4):

Labcorp Genetics (formerly Invitae), Labcorp
Classification: Likely pathogenic. Last evaluated: 2024-08-05. Review status: criteria provided, single submitter. Criteria: Invitae Variant Classification Sherloc (09022015). Collection method: clinical testing. Allele origin: germline.
Comment: This variant, c.6337_6339del, results in the deletion of 1 amino acid(s) of the PRPF8 protein (p.Lys2113del), but otherwise preserves the integrity of the reading frame. This variant is not present in population databases (gnomAD no frequency). This variant has been observed in individuals with retinitis pigmentosa (PMID: 22581970, 29099798, 34906470; Invitae). ClinVar contains an entry for this variant (Variation ID: 866049). In summary, the currently available evidence indicates that the variant is pathogenic, but additional data are needed to prove that conclusively. Therefore, this variant has been classified as Likely Pathogenic.

Institute of Medical Genetics and Applied Genomics, University Hospital Tübingen
Classification: Likely pathogenic for Retinitis pigmentosa. Last evaluated: 2023-10-17. Review status: criteria provided, single submitter. Criteria: ACMG Guidelines, 2015. Collection method: clinical testing. Allele origin: germline. Inheritance: Autosomal dominant inheritance. Affected: yes.

Blueprint Genetics
Classification: Pathogenic for PRPF8-related disorders. Last evaluated: 2022-06-09. Review status: criteria provided, single submitter. Criteria: ACMG Guidelines, 2015. Collection method: clinical testing. Allele origin: germline. Affected: yes. Observed: 5 variant alleles.

Broad Center for Mendelian Genomics, Broad Institute of MIT and Harvard
Classification: Uncertain significance for Retinitis pigmentosa. Last evaluated: 2021-04-01. Review status: criteria provided, single submitter. Criteria: ACMG Guidelines, 2015. Collection method: curation. Allele origin: germline. Inheritance: Autosomal dominant inheritance. Affected: yes.
Comment: Through a review of available evidence we were able to apply the following criteria: PM2, PM4. Based on this evidence we have classified this variant as a Variant of Uncertain Significance. If you have any questions about the classification please reach out to the Pierce Lab.

Literature cited by the submitters: PubMed 22581970 (cited by Labcorp Genetics (formerly Invitae), Labcorp); PubMed 29099798 (cited by Labcorp Genetics (formerly Invitae), Labcorp); PubMed 34906470 (cited by Labcorp Genetics (formerly Invitae), Labcorp and Broad Center for Mendelian Genomics, Broad Institute of MIT and Harvard).